The following is an entry in ClinVar:

NM_001144967.3(NEDD4L):c.1019_1027del (p.Ser340_Val343delinsPhe)

Gene: NEDD4L (NEDD4 like E3 ubiquitin protein ligase; plus strand). Cytogenetic location: 18q21.31.
Variant type: Deletion.
Coding change: c.1019_1027del on transcript NM_001144967.3 (MANE Select); coding-DNA positions 1019 to 1027, 9 bases deleted (CATGCAGTG; older notation c.1019_1027delCATGCAGTG).
Protein change: p.Ser340_Val343delinsPhe.
Molecular consequence: inframe indel.
Genome position (GRCh38, 1-based): chr18:58,333,846-58,333,854, CATGCAGTG deleted. VCF-style (leftmost placement, unchanged base first): chr18-58333845-TCATGCAGTG-T. GRCh37 (hg19) VCF-style: chr18-56001077-TCATGCAGTG-T.
Other names: c.656_664del, p.Ser219_Val222delinsPhe (NM_001144964.1, NM_001144965.2, NM_001144966.3 and 2 more transcripts); c.995_1003del, p.Ser332_Val335delinsPhe (NM_001144968.2, NM_001144969.2); c.1019_1027del, p.Ser340_Val343delinsPhe (NM_001243960.2, NM_015277.6).
Identifiers: ClinVar variation 3700733 (VCV003700733.2).
Genomic context (GRCh38, chr18:58,333,845, plus strand): 5'-CTTGATGCTTCCTGTCTTTTCCTCTCCTTCCAGCAAAGAGAACCCTCCTCAAGGTTGAGG[TCATGCAGTG>T]TCACCGACGCAGTTGCAGAACAGGGCCATCTACCACCGGTAACCCATGCTAATTTCCAGT-3'

ClinVar aggregate classification (germline): Uncertain significance (1 of 4 stars; one submission).

Submission:

Labcorp Genetics (formerly Invitae), Labcorp
Classification: Uncertain significance. Last evaluated: 2024-03-18. Review status: criteria provided, single submitter. Criteria: Invitae Variant Classification Sherloc (09022015). Collection method: clinical testing. Allele origin: germline.
Comment: This variant, c.1019_1027del, is a complex sequence change that results in the deletion of 4 and insertion of 1 amino acid(s) in the NEDD4L protein (p.Ser340_Val343delinsPhe). This variant is not present in population databases (gnomAD no frequency). This variant has not been reported in the literature in individuals affected with NEDD4L-related conditions. Experimental studies and prediction algorithms are not available or were not evaluated, and the functional significance of this variant is currently unknown. In summary, the available evidence is currently insufficient to determine the role of this variant in disease. Therefore, it has been classified as a Variant of Uncertain Significance.